The following is an entry in ClinVar:

ClinVar aggregate classification (germline): Uncertain significance (1 of 4 stars; one submission).

Allele frequency attached by ClinVar (database versions not stated): ExAC 0.00001; gnomAD 0.00001; gnomAD exomes 0.00001; TOPMed 0.00001.
gnomAD v4.1: 10 of 1,612,850 alleles (0.00062%); highest among the groups gnomAD compares: Middle Eastern, 0.016%; no homozygotes.

Submission:

Labcorp Genetics (formerly Invitae), Labcorp
Classification: Uncertain significance. Last evaluated: 2023-03-24. Review status: criteria provided, single submitter. Criteria: Invitae Variant Classification Sherloc (09022015). Collection method: clinical testing. Allele origin: germline.
Comment: This variant is present in population databases (rs753600133, gnomAD 0.0009%). This sequence change replaces glutamic acid, which is acidic and polar, with lysine, which is basic and polar, at codon 112 of the EIF2AK1 protein (p.Glu112Lys). This variant has not been reported in the literature in individuals affected with EIF2AK1-related conditions. In summary, the available evidence is currently insufficient to determine the role of this variant in disease. Therefore, it has been classified as a Variant of Uncertain Significance. An algorithm developed to predict the effect of missense changes on protein structure and function (PolyPhen-2) suggests that this variant is likely to be tolerated.

NM_014413.4(EIF2AK1):c.334G>A (p.Glu112Lys)

Gene: EIF2AK1 (eukaryotic translation initiation factor 2 alpha kinase 1; minus strand). Cytogenetic location: 7p22.1.
Variant type: single nucleotide variant.
Coding change: c.334G>A on transcript NM_014413.4 (MANE Select); coding-DNA position 334, G replaced by A.
Protein change: p.Glu112Lys; replaces glutamic acid 112 with lysine.
Molecular consequence: missense variant.
Genome position (GRCh38, 1-based): chr7:6,049,989, C>T on the plus strand (G>A on the coding strand, the complement: EIF2AK1 is on the minus strand). VCF-style: chr7-6049989-C-T. GRCh37 (hg19) VCF-style: chr7-6089620-C-T.
Other names: c.334G>A, p.Glu112Lys (NM_001134335.2); short protein forms E112K.
Identifiers: ClinVar variation 2870958 (VCV002870958.3), dbSNP rs753600133, ClinGen allele CA4151262.